The following is an entry in ClinVar:

NM_032444.4(SLX4):c.5440C>T (p.Arg1814Cys)

Gene: SLX4 (SLX4 structure-specific endonuclease subunit; minus strand). Cytogenetic location: 16p13.3.
Variant type: single nucleotide variant.
Coding change: c.5440C>T on transcript NM_032444.4 (MANE Select); coding-DNA position 5440, C replaced by T.
Protein change: p.Arg1814Cys; replaces arginine 1814 with cysteine.
Molecular consequence: missense variant.
Genome position (GRCh38, 1-based): chr16:3,582,407, G>A on the plus strand (C>T on the coding strand, the complement: SLX4 is on the minus strand). VCF-style: chr16-3582407-G-A. GRCh37 (hg19) VCF-style: chr16-3632408-G-A.
Other names: short protein forms R1814C.
Identifiers: ClinVar variation 929618 (VCV000929618.8), dbSNP rs767720336, ClinGen allele CA7865311.

ClinVar aggregate classification (germline): Uncertain significance. Review status: criteria provided, multiple submitters, no conflicts (2 of 4 stars). 3 submissions from 3 submitters: Uncertain significance (2). 1 of the submissions does not count toward it. Last evaluated 2021-12-02.

Conditions:
Fanconi anemia complementation group P. Also called: SLX4-Related Fanconi Anemia. Identifiers: Orphanet 84, MedGen C3469542, MONDO:0013499, OMIM 613951.
Fanconi anemia (FA). Also called: Fanconi's anemia. Identifiers: Orphanet 84, MedGen C0015625, MeSH D005199, MONDO:0019391.

Allele frequency attached by ClinVar (database versions not stated): TOPMed 0.00001.
gnomAD v4.1: 69 of 1,613,748 alleles (0.0043%); highest among the groups gnomAD compares: Middle Eastern, 0.016%; no homozygotes.

Submissions (3):

Fulgent Genetics
Classification: Uncertain significance for Fanconi anemia complementation group P. Last evaluated: 2021-12-02. Review status: criteria provided, single submitter. Criteria: ACMG Guidelines, 2015. Collection method: clinical testing. Allele origin: unknown.

Labcorp Genetics (formerly Invitae), Labcorp
Classification: Uncertain significance for Fanconi anemia. Last evaluated: 2021-08-31. Review status: criteria provided, single submitter. Criteria: Invitae Variant Classification Sherloc (09022015). Collection method: clinical testing. Allele origin: germline.
Comment: This sequence change replaces arginine with cysteine at codon 1814 of the SLX4 protein (p.Arg1814Cys). The arginine residue is highly conserved and there is a large physicochemical difference between arginine and cysteine. This variant is present in population databases (rs767720336, ExAC 0.009%). This missense change has been observed in individual(s) with breast cancer (PMID: 22911665, 23840564). Algorithms developed to predict the effect of missense changes on protein structure and function (SIFT, PolyPhen-2, Align-GVGD) all suggest that this variant is likely to be disruptive. Experimental studies have shown that this missense change does not substantially affect SLX4 function (PMID: 22911665, 23840564). In summary, the available evidence is currently insufficient to determine the role of this variant in disease. Therefore, it has been classified as a Variant of Uncertain Significance.

Leiden Open Variation Database
Classification: Likely benign. Last evaluated: 2012-08-31. Review status: no assertion criteria provided. Collection method: curation. Allele origin: germline. Affected: yes. Not counted in ClinVar's aggregate classification.
Comment: Curator: Arleen D. Auerbach. Submitter to LOVD: Janine Bakker.

Literature cited by the submitters: PubMed 22911665 (cited by Labcorp Genetics (formerly Invitae), Labcorp and Leiden Open Variation Database); PubMed 23840564 (cited by Labcorp Genetics (formerly Invitae), Labcorp).